The following is an entry in ClinVar:

ClinVar aggregate classification (germline): Benign. Review status: criteria provided, multiple submitters, no conflicts (2 of 4 stars). 3 submissions from 3 submitters: Benign (3). Last evaluated 2025-12-30.

Conditions:
Emery-Dreifuss muscular dystrophy 5, autosomal dominant (EDMD5). Also called: EMERY-DREIFUSS MUSCULAR DYSTROPHY 5. Identifiers: Orphanet 261, MedGen C2751805, MONDO:0013072, OMIM 612999.

Allele frequency attached by ClinVar (database versions not stated): gnomAD exomes 0.00076 and 0.00169; ExAC 0.00224; gnomAD 0.00682 and 0.00734; 1000 Genomes Project 0.00699; 1000 Genomes Project 30x 0.00703; TOPMed 0.00726; ESP Exome Variant Server 0.00730.
gnomAD v4.1: 2,196 of 1,614,046 alleles (0.14%); highest among the groups gnomAD compares: African/African-American, 2.4%; 28 homozygotes.

Submissions (3):

Labcorp Genetics (formerly Invitae), Labcorp
Classification: Benign for Emery-Dreifuss muscular dystrophy 5, autosomal dominant. Last evaluated: 2025-12-30. Review status: criteria provided, single submitter. Criteria: Invitae Variant Classification Sherloc (09022015). Collection method: clinical testing. Allele origin: germline.

Illumina Laboratory Services, Illumina
Classification: Benign for Emery-Dreifuss muscular dystrophy 5, autosomal dominant. Last evaluated: 2018-01-12. Review status: criteria provided, single submitter. Criteria: ICSL Variant Classification Criteria 13 December 2019. Collection method: clinical testing. Allele origin: germline.
Comment: This variant was observed in the ICSL laboratory as part of a predisposition screen in an ostensibly healthy population. It had not been previously curated by ICSL or reported in the Human Gene Mutation Database (HGMD: prior to June 1st, 2018), and was therefore a candidate for classification through an automated scoring system. Utilizing variant allele frequency, disease prevalence and penetrance estimates, and inheritance mode, an automated score was calculated to assess if this variant is too frequent to cause the disease. Based on the score and internal cut-off values, a variant classified as benign is not then subjected to further curation. The score for this variant resulted in a classification of benign for this disease.

Breakthrough Genomics
Classification: Benign. Review status: criteria provided, single submitter. Criteria: ACMG Guidelines, 2015. Collection method: not provided. Allele origin: germline. Inheritance: Autosomal dominant inheritance. Affected: yes.

NM_182914.3(SYNE2):c.14020-15T>C

Gene: SYNE2 (spectrin repeat containing nuclear envelope protein 2; plus strand). Cytogenetic location: 14q23.2.
Variant type: single nucleotide variant.
Coding change: c.14020-15T>C on transcript NM_182914.3 (MANE Select); 15 bases into the intron before coding-DNA position 14020, T replaced by C.
Molecular consequence: intron variant.
Genome position (GRCh38, 1-based): chr14:64,129,767, T>C. VCF-style: chr14-64129767-T-C. GRCh37 (hg19) VCF-style: chr14-64596485-T-C.
Other names: c.14020-15T>C (NM_015180.6).
Identifiers: ClinVar variation 881326 (VCV000881326.12), dbSNP rs142777639, ClinGen allele CA7222657.